The following is an entry in ClinVar:

NM_018557.3(LRP1B):c.12806-3T>C

Gene: LRP1B (LDL receptor related protein 1B; minus strand). Cytogenetic location: 2q22.1.
Variant type: single nucleotide variant.
Coding change: c.12806-3T>C on transcript NM_018557.3 (MANE Select); 3 bases into the intron before coding-DNA position 12806, T replaced by C.
Molecular consequence: intron variant.
Genome position (GRCh38, 1-based): chr2:140,297,972, A>G on the plus strand (T>C on the coding strand, the complement: LRP1B is on the minus strand). VCF-style: chr2-140297972-A-G. GRCh37 (hg19) VCF-style: chr2-141055541-A-G.
Identifiers: ClinVar variation 3045266 (VCV003045266.2), dbSNP rs201590927, ClinGen allele CA1892705.
Genomic context (GRCh38, chr2:140,297,972, plus strand): 5'-ACTGTCTTACCACAGTTTGGCCCAGTGAAACCCAGTGCACAGCTGCAGGTGGGTCTCCCT[A>G]TTGGAAACAATAAGTAATAAAAAGCAAATTATTCAACCAAAATAGTTTATTTTCAAGGAA-3'

ClinVar aggregate classification (germline): Likely benign (0 of 4 stars; one submission).

Conditions:
LRP1B-related disorder. Also called: LRP1B-related condition.

Allele frequency attached by ClinVar (database versions not stated): ESP Exome Variant Server 0.00008; gnomAD exomes 0.00017; ExAC 0.00021; gnomAD 0.00027; 1000 Genomes Project 30x 0.00031; TOPMed 0.00031; 1000 Genomes Project 0.00040.
gnomAD v4.1: 307 of 1,585,346 alleles (0.019%); highest among the groups gnomAD compares: Middle Eastern, 0.2%; 1 homozygote.

Submission:

PreventionGenetics, part of Exact Sciences
Classification: Likely benign for LRP1B-related condition. Last evaluated: 2019-11-12. Review status: no assertion criteria provided. Collection method: clinical testing. Allele origin: germline.
Comment: This variant is classified as likely benign based on ACMG/AMP sequence variant interpretation guidelines (Richards et al. 2015 PMID: 25741868, with internal and published modifications).